The following is an entry in ClinVar:

ClinVar aggregate classification (germline): Likely pathogenic (1 of 4 stars; one submission).

Conditions:
Developmental and epileptic encephalopathy, 42 (DEE42A). Also called: EPILEPTIC ENCEPHALOPATHY, EARLY INFANTILE, 42A; DEVELOPMENTAL AND EPILEPTIC ENCEPHALOPATHY 42A; Epileptic encephalopathy, early infantile, 42. Identifiers: MedGen C4310716, MONDO:0014917, OMIM 617106.

Submission:

Women's Health and Genetics/Laboratory Corporation of America, LabCorp
Classification: Likely pathogenic for Developmental and epileptic encephalopathy, 42. Last evaluated: 2023-03-26. Review status: criteria provided, single submitter. Criteria: LabCorp Variant Classification Summary - May 2015. Collection method: clinical testing. Allele origin: germline.
Comment: Variant summary: CACNA1A c.2346dupG (p.Arg783AlafsX14) results in a premature termination codon, predicted to cause a truncation of the encoded protein or absence of the protein due to nonsense mediated decay, which are commonly known mechanisms for disease. Truncations downstream of this position have been reported in association with CACNA1A-related disease in the HGMD database. The variant was absent in 240484 control chromosomes. To our knowledge, no occurrence of c.2346dupG in individuals affected with CACNA1A-related disease and no experimental evidence demonstrating its impact on protein function have been reported. No clinical diagnostic laboratories have submitted clinical-significance assessments for this variant to ClinVar after 2014. Based on the evidence outlined above, the variant was classified as likely pathogenic.

NM_001127222.2(CACNA1A):c.2343dup (p.Arg782fs)

Gene: CACNA1A (calcium voltage-gated channel subunit alpha1 A; minus strand). Cytogenetic location: 19p13.13.
Variant type: Duplication.
Coding change: c.2343dup on transcript NM_001127222.2 (MANE Select); coding-DNA position 2343, one base duplicated (G; older notation c.2343dupG).
Protein change: p.Arg782fs; shifts the reading frame from arginine 782.
Molecular consequence: frameshift variant.
Genome position (GRCh38, 1-based): chr19:13,299,290, C duplicated on the plus strand (G on the coding strand, the reverse complement: CACNA1A is on the minus strand). VCF-style (leftmost placement, unchanged base first): chr19-13299289-G-GC. GRCh37 (hg19) VCF-style: chr19-13410103-G-GC.
Other names: c.2355dup, p.Arg786fs (NM_000068.4, NM_023035.3); c.2346dup, p.Arg783fs (NM_001127221.2, NM_001174080.2); c.2346dupG (NM_001127221.1); short protein forms R782fs, R783fs, R786fs.
Identifiers: ClinVar variation 2501106 (VCV002501106.1), dbSNP rs2512910868, ClinGen allele CA2580612589.